The following is an entry in ClinVar:

ClinVar aggregate classification (germline): Benign/Likely benign. Review status: criteria provided, multiple submitters, no conflicts (2 of 4 stars). 3 submissions from 3 submitters: Benign (1); Likely benign (2). Last evaluated 2025-07-18.

Conditions:
Hereditary nonpolyposis colorectal neoplasms. Identifiers: MedGen C0009405, MeSH D003123.
Hereditary cancer-predisposing syndrome. Also called: Hereditary Cancer Syndrome; Hereditary neoplastic syndrome; Tumor predisposition; Neoplastic Syndromes, Hereditary. Identifiers: Orphanet 140162, MedGen C0027672, MeSH D009386, MONDO:0015356.
Lynch syndrome 4 (LYNCH4). Also called: Colorectal cancer, hereditary nonpolyposis, type 4; Hereditary non-polyposis colorectal cancer, type 4. Identifiers: Orphanet 144, MedGen C1838333, MONDO:0013699, OMIM 614337. Disease mechanism: loss of function.

Allele frequency attached by ClinVar (database versions not stated): gnomAD exomes below 0.00001.
gnomAD v4.1: 1 of 1,614,170 alleles (0.000062%); highest among the groups gnomAD compares: Non-Finnish European, 0.000085%; no homozygotes.

Submissions (3):

Ambry Genetics
Classification: Likely benign for Hereditary cancer-predisposing syndrome. Last evaluated: 2025-07-18. Review status: criteria provided, single submitter. Criteria: Ambry Variant Classification Scheme 2023. Collection method: clinical testing. Allele origin: germline.

Myriad Genetics, Inc.
Classification: Benign for Lynch syndrome 4. Last evaluated: 2025-01-31. Review status: criteria provided, single submitter. Criteria: Myriad Autosomal Dominant, Autosomal Recessive and X-Linked Classification Criteria (2023). Collection method: clinical testing. Allele origin: unknown.
Comment: This variant is considered benign. This variant is a silent/synonymous amino acid change and it is not expected to impact splicing.

Labcorp Genetics (formerly Invitae), Labcorp
Classification: Likely benign for Hereditary nonpolyposis colorectal neoplasms. Last evaluated: 2023-09-22. Review status: criteria provided, single submitter. Criteria: Invitae Variant Classification Sherloc (09022015). Collection method: clinical testing. Allele origin: germline.

NM_000535.7(PMS2):c.1719C>A (p.Thr573=)

Gene: PMS2 (PMS1 homolog 2, mismatch repair system component; minus strand). Cytogenetic location: 7p22.1.
Variant type: single nucleotide variant.
Coding change: c.1719C>A on transcript NM_000535.7 (MANE Select); coding-DNA position 1719, C replaced by A.
Protein change: p.Thr573=; no amino-acid change (threonine 573 retained).
Molecular consequence: synonymous variant. On other transcripts: non-coding transcript variant (1).
Genome position (GRCh38, 1-based): chr7:5,987,046, G>T on the plus strand (C>A on the coding strand, the complement: PMS2 is on the minus strand). VCF-style: chr7-5987046-G-T. GRCh37 (hg19) VCF-style: chr7-6026677-G-T.
Other names: c.1719C>A (NM_000535.5); c.1314C>A, p.Thr438= (NM_001322003.2, NM_001322004.2, NM_001322005.2 and 1 more transcripts); c.1563C>A, p.Thr521= (NM_001322006.2); c.1401C>A, p.Thr467= (NM_001322007.2, NM_001322008.2); c.1158C>A, p.Thr386= (NM_001322010.2); c.786C>A, p.Thr262= (NM_001322011.2, NM_001322012.2); c.1146C>A, p.Thr382= (NM_001322013.2); c.1719C>A, p.Thr573= (NM_001322014.2); and 1 more.
Identifiers: ClinVar variation 1079362 (VCV001079362.11), dbSNP rs2128724704, ClinGen allele CA453746199.